The following is an entry in ClinVar:

NM_002519.3(NPAT):c.3894C>G (p.Asp1298Glu)

Gene: NPAT (nuclear protein, coactivator of histone transcription; minus strand). Cytogenetic location: 11q22.3.
Variant type: single nucleotide variant.
Coding change: c.3894C>G on transcript NM_002519.3 (MANE Select); coding-DNA position 3894, C replaced by G.
Protein change: p.Asp1298Glu; replaces aspartic acid 1298 with glutamic acid.
Molecular consequence: missense variant.
Genome position (GRCh38, 1-based): chr11:108,161,192, G>C on the plus strand (C>G on the coding strand, the complement: NPAT is on the minus strand). VCF-style: chr11-108161192-G-C. GRCh37 (hg19) VCF-style: chr11-108031919-G-C.
Other names: c.3915C>G, p.Asp1305Glu (NM_001321307.1); short protein forms D1305E, D1298E.
Identifiers: ClinVar variation 3407135 (VCV003407135.1).

ClinVar aggregate classification (germline): Uncertain significance (1 of 4 stars; one submission).

gnomAD v4.1: 1 of 1,614,096 alleles (0.000062%); highest among the groups gnomAD compares: Non-Finnish European, 0.000085%; no homozygotes.

Submission:

Ambry Genetics
Classification: Uncertain significance. Last evaluated: 2024-09-15. Review status: criteria provided, single submitter. Criteria: Ambry Variant Classification Scheme 2023. Collection method: clinical testing. Allele origin: germline.
Comment: The p.D1298E variant (also known as c.3894C>G), located in coding exon 17 of the NPAT gene, results from a C to G substitution at nucleotide position 3894. The aspartic acid at codon 1298 is replaced by glutamic acid, an amino acid with highly similar properties. This amino acid position is conserved. In addition, this alteration is predicted to be tolerated by in silico analysis. Based on the available evidence, the clinical significance of this variant remains unclear.